The following is an entry in ClinVar:

NM_032603.5(LOXL3):c.2259C>G (p.Ile753Met)

Gene: LOXL3 (lysyl oxidase like 3; minus strand). Cytogenetic location: 2p13.1.
Variant type: single nucleotide variant.
Coding change: c.2259C>G on transcript NM_032603.5 (MANE Select); coding-DNA position 2259, C replaced by G.
Protein change: p.Ile753Met; replaces isoleucine 753 with methionine.
Molecular consequence: missense variant.
Genome position (GRCh38, 1-based): chr2:74,533,609, G>C on the plus strand (C>G on the coding strand, the complement: LOXL3 is on the minus strand). VCF-style: chr2-74533609-G-C. GRCh37 (hg19) VCF-style: chr2-74760736-G-C.
Other names: c.1824C>G, p.Ile608Met (NM_001289164.3); c.1176C>G, p.Ile392Met (NM_001289165.2); short protein forms I392M, I608M, I753M.
Identifiers: ClinVar variation 1903038 (VCV001903038.4), dbSNP rs763423249, ClinGen allele CA1728654.
Genomic context (GRCh38, chr2:74,533,609, plus strand): 5'-GCAGCCTCAGACCCCTGCCATTAGGGGCCAGTGGTGGTTTGCAGAGGGCAGTGGCACTTA[G>C]ATAATCTGGTTGCTGGTCTGGCCAGGGTAGCGTTCAAACCTCCTGTTGGCCTCTTCACTG-3'
Protein context (NP_115992.1, residues 743-753): RYPGQTSNQI[Ile753Met]

ClinVar aggregate classification (germline): Uncertain significance (1 of 4 stars; one submission).

Allele frequency attached by ClinVar (database versions not stated): gnomAD 0.00001; gnomAD exomes 0.00001; TOPMed 0.00002; ExAC 0.00003.
gnomAD v4.1: 19 of 1,613,918 alleles (0.0012%); highest among the groups gnomAD compares: Admixed American, 0.013%; 1 homozygote.

Submission:

Labcorp Genetics (formerly Invitae), Labcorp
Classification: Uncertain significance. Last evaluated: 2025-11-10. Review status: criteria provided, single submitter. Criteria: Invitae Variant Classification Sherloc (09022015). Collection method: clinical testing. Allele origin: germline.
Comment: This sequence change replaces isoleucine, which is neutral and non-polar, with methionine, which is neutral and non-polar, at codon 753 of the LOXL3 protein (p.Ile753Met). This variant is present in population databases (rs763423249, gnomAD 0.02%). This variant has not been reported in the literature in individuals affected with LOXL3-related conditions. ClinVar contains an entry for this variant (Variation ID: 1903038). An algorithm developed to predict the effect of missense changes on protein structure and function (PolyPhen-2) suggests that this variant is likely to be tolerated. Algorithms developed to predict the effect of sequence changes on RNA splicing suggest that this variant may create or strengthen a splice site. In summary, the available evidence is currently insufficient to determine the role of this variant in disease. Therefore, it has been classified as a Variant of Uncertain Significance.